The following is an entry in ClinVar:

NM_152906.7(TANGO2):c.688C>T (p.Arg230Cys)

Gene: TANGO2 (transport and golgi organization 2 homolog; plus strand). Cytogenetic location: 22q11.21.
Variant type: single nucleotide variant.
Coding change: c.688C>T on transcript NM_152906.7 (MANE Select); coding-DNA position 688, C replaced by T.
Protein change: p.Arg230Cys; replaces arginine 230 with cysteine.
Molecular consequence: missense variant. On other transcripts: 3 prime UTR variant (1), non-coding transcript variant (5), intron variant (1).
Genome position (GRCh38, 1-based): chr22:20,063,420, C>T. VCF-style: chr22-20063420-C-T. GRCh37 (hg19) VCF-style: chr22-20050943-C-T.
Other names: c.688C>T (NM_152906.4); c.688C>T, p.Arg230Cys (NM_001283106.3, NM_001283116.3, NM_001322142.2); c.811C>T, p.Arg271Cys (NM_001283129.3, NM_001322141.2, NM_001322143.2); c.686C>T, p.Ala229Val (NM_001283148.3, NM_001283154.3); c.502C>T, p.Arg168Cys (NM_001283179.3, NM_001283186.3, NM_001322163.2 and 2 more transcripts); c.586C>T, p.Arg196Cys (NM_001322148.2, NM_001322149.2, NM_001322146.2); c.394C>T, p.Arg132Cys (NM_001322150.2, NM_001322153.2, NM_001283235.3 and 6 more transcripts); c.463C>T, p.Arg155Cys (NM_001283199.3); and 6 more; short protein forms A229V, A270V, R155C, R196C, R271C, A195V, R168C, R209C.
Identifiers: ClinVar variation 1924245 (VCV001924245.3), dbSNP rs140525489, ClinGen allele CA10106531.

ClinVar aggregate classification (germline): Uncertain significance. Review status: criteria provided, multiple submitters, no conflicts (2 of 4 stars). 2 submissions from 2 submitters: Uncertain significance (2). Last evaluated 2025-10-30.

Conditions:
Inborn genetic diseases. Identifiers: MedGen C0950123, MeSH D030342.

Allele frequency attached by ClinVar (database versions not stated): gnomAD 0.00001; ESP Exome Variant Server 0.00008.

Submissions (2):

Ambry Genetics
Classification: Uncertain significance for Inborn genetic diseases. Last evaluated: 2025-10-30. Review status: criteria provided, single submitter. Criteria: Ambry Variant Classification Scheme 2023. Collection method: clinical testing. Allele origin: germline.

Labcorp Genetics (formerly Invitae), Labcorp
Classification: Uncertain significance. Last evaluated: 2022-07-14. Review status: criteria provided, single submitter. Criteria: Invitae Variant Classification Sherloc (09022015). Collection method: clinical testing. Allele origin: germline.
Comment: This sequence change replaces arginine, which is basic and polar, with cysteine, which is neutral and slightly polar, at codon 230 of the TANGO2 protein (p.Arg230Cys). This variant is present in population databases (rs140525489, gnomAD 0.007%). This variant has not been reported in the literature in individuals affected with TANGO2-related conditions. Algorithms developed to predict the effect of missense changes on protein structure and function are either unavailable or do not agree on the potential impact of this missense change (SIFT: "Not Available"; PolyPhen-2: "Probably Damaging"; Align-GVGD: "Not Available"). In summary, the available evidence is currently insufficient to determine the role of this variant in disease. Therefore, it has been classified as a Variant of Uncertain Significance.